The following is an entry in ClinVar:

ClinVar aggregate classification (germline): Uncertain significance (1 of 4 stars; one submission).

Conditions:
Charcot-Marie-Tooth disease axonal type 2C (HMSN2C). Also called: CHARCOT-MARIE-TOOTH DISEASE, AXONAL, AUTOSOMAL DOMINANT, TYPE 2C; Charcot-Marie-Tooth Neuropathy Type 2C; Charcot-Marie-Tooth Disease Type 2, TRPV4-Related (CMT2C). Identifiers: Orphanet 99937, MedGen C1853710, MONDO:0011633, OMIM 606071.

gnomAD v4.1: 1 of 1,613,974 alleles (0.000062%); highest among the groups gnomAD compares: Admixed American, 0.0017%; no homozygotes.

Submission:

Labcorp Genetics (formerly Invitae), Labcorp
Classification: Uncertain significance for Charcot-Marie-Tooth disease axonal type 2C. Last evaluated: 2024-06-01. Review status: criteria provided, single submitter. Criteria: Invitae Variant Classification Sherloc (09022015). Collection method: clinical testing. Allele origin: germline.
Comment: This sequence change replaces threonine, which is neutral and polar, with proline, which is neutral and non-polar, at codon 305 of the TRPV4 protein (p.Thr305Pro). This variant is not present in population databases (gnomAD no frequency). This variant has not been reported in the literature in individuals affected with TRPV4-related conditions. Advanced modeling of protein sequence and biophysical properties (such as structural, functional, and spatial information, amino acid conservation, physicochemical variation, residue mobility, and thermodynamic stability) performed at Invitae indicates that this missense variant is not expected to disrupt TRPV4 protein function with a negative predictive value of 95%. In summary, the available evidence is currently insufficient to determine the role of this variant in disease. Therefore, it has been classified as a Variant of Uncertain Significance.

NM_021625.5(TRPV4):c.913A>C (p.Thr305Pro)

Gene: TRPV4 (transient receptor potential cation channel subfamily V member 4; minus strand). Cytogenetic location: 12q24.11.
Variant type: single nucleotide variant.
Coding change: c.913A>C on transcript NM_021625.5 (MANE Select); coding-DNA position 913, A replaced by C.
Protein change: p.Thr305Pro; replaces threonine 305 with proline.
Molecular consequence: missense variant.
Genome position (GRCh38, 1-based): chr12:109,798,853, T>G on the plus strand (A>C on the coding strand, the complement: TRPV4 is on the minus strand). VCF-style: chr12-109798853-T-G. GRCh37 (hg19) VCF-style: chr12-110236658-T-G.
Other names: c.772A>C, p.Thr258Pro (NM_001177428.2, NM_001177433.2); c.811A>C, p.Thr271Pro (NM_001177431.2); c.913A>C, p.Thr305Pro (NM_147204.3); short protein forms T258P, T305P, T271P.
Identifiers: ClinVar variation 3686254 (VCV003686254.2).